The following is an entry in ClinVar:

NM_000059.4(BRCA2):c.2372_2374dup (p.Ser791_Tyr792insSer)

Gene: BRCA2 (BRCA2 DNA repair associated; plus strand). Cytogenetic location: 13q13.1.
Variant type: Duplication.
Coding change: c.2372_2374dup on transcript NM_000059.4 (MANE Select); coding-DNA positions 2372 to 2374, 3 bases duplicated (CAT; older notation c.2372_2374dupCAT).
Protein change: p.Ser791_Tyr792insSer.
Molecular consequence: inframe insertion. On other transcripts: inframe indel (3).
Genome position (GRCh38, 1-based): chr13:32,336,727-32,336,729, CAT duplicated; duplicating any 3 consecutive bases within chr13:32,336,725-32,336,729 gives the same sequence; the c. name uses the placement nearest the transcript's 3' end. VCF-style (leftmost placement, unchanged base first): chr13-32336724-A-AATC. GRCh37 (hg19) VCF-style: chr13-32910861-A-AATC.
Other names: c.2372_2374dup, p.Ser791_Tyr792insSer (NM_001406719.1, NM_001406720.1); c.2372_2374dupCAT (NM_000059.3).
Identifiers: ClinVar variation 1790310 (VCV001790310.2), dbSNP rs2548523728, ClinGen allele CA2580087264.

ClinVar aggregate classification (germline): Uncertain significance (1 of 4 stars; one submission).

Conditions:
Hereditary cancer-predisposing syndrome. Also called: Hereditary Cancer Syndrome; Hereditary neoplastic syndrome; Tumor predisposition; Neoplastic Syndromes, Hereditary. Identifiers: Orphanet 140162, MedGen C0027672, MeSH D009386, MONDO:0015356.

Submission:

Ambry Genetics
Classification: Uncertain significance for Hereditary cancer-predisposing syndrome. Last evaluated: 2021-03-29. Review status: criteria provided, single submitter. Criteria: Ambry Variant Classification Scheme 2023. Collection method: clinical testing. Allele origin: germline.
Comment: The c.2372_2374dupCAT variant (also known as p.S791dup), located in coding exon 10 of the BRCA2 gene, results from an in-frame duplication of CAT at nucleotide positions 2372 to 2374. This results in the duplication of an extra serine residue between codons 791 and 792. This amino acid position is well conserved in available vertebrate species. In addition, this alteration is predicted to be deleterious by in silico analysis (Choi Y et al. PLoS ONE. 2012; 7(10):e46688). Since supporting evidence is limited at this time, the clinical significance of this alteration remains unclear.